The following is an entry in ClinVar:

NM_030962.4(SBF2):c.192_193dup (p.Phe65fs)

Gene: SBF2 (SET binding factor 2; minus strand). Cytogenetic location: 11p15.4.
Variant type: Duplication.
Coding change: c.192_193dup on transcript NM_030962.4 (MANE Select); coding-DNA positions 192 to 193, 2 bases duplicated (GT; older notation c.192_193dupGT).
Protein change: p.Phe65fs; shifts the reading frame from phenylalanine 65.
Molecular consequence: frameshift variant.
Genome position (GRCh38, 1-based): chr11:10,042,930-10,042,931, AC duplicated on the plus strand (GT on the coding strand, the reverse complement: SBF2 is on the minus strand). VCF-style (leftmost placement, unchanged base first): chr11-10042929-A-AAC. GRCh37 (hg19) VCF-style: chr11-10064476-A-AAC.
Other names: c.192_193dup, p.Phe65fs (NM_001386339.1, NM_001386342.1); short protein forms F65fs.
Identifiers: ClinVar variation 942856 (VCV000942856.8), dbSNP rs1949709115, ClinGen allele CA1139661826.

ClinVar aggregate classification (germline): Pathogenic (1 of 4 stars; one submission).

Conditions:
Charcot-Marie-Tooth disease type 4. Also called: Charcot-Marie-Tooth disease, type IV; Charcot-Marie-Tooth, Type 4. Identifiers: Orphanet 64749, MedGen C4082197, MONDO:0018995.

Allele frequency attached by ClinVar (database versions not stated): gnomAD exomes below 0.00001.

Submission:

Labcorp Genetics (formerly Invitae), Labcorp
Classification: Pathogenic for Charcot-Marie-Tooth disease type 4. Last evaluated: 2020-09-15. Review status: criteria provided, single submitter. Criteria: Invitae Variant Classification Sherloc (09022015). Collection method: clinical testing. Allele origin: germline.
Comment: This sequence change creates a premature translational stop signal (p.Phe65Cysfs*7) in the SBF2 gene. It is expected to result in an absent or disrupted protein product. For these reasons, this variant has been classified as Pathogenic. Loss-of-function variants in SBF2 are known to be pathogenic (PMID: 12687498, 25873783). This variant has not been reported in the literature in individuals with SBF2-related conditions. This variant is not present in population databases (ExAC no frequency).

Literature cited by the submitters: PubMed 12687498; PubMed 25873783.